The following is an entry in ClinVar:

ClinVar aggregate classification (germline): Likely pathogenic (1 of 4 stars; one submission).

Conditions:
Ethylmalonic encephalopathy (EE). Also called: EPEMA syndrome; Encephalopathy, petechiae, and ethylmalonic aciduria; Syndrome of encephalopathy, petechiae, and ethylmalonic aciduria. Identifiers: Orphanet 51188, MedGen C1865349, MONDO:0011229, OMIM 602473. Disease mechanism: loss of function.

Submission:

Natera, Inc.
Classification: Likely pathogenic for Ethylmalonic encephalopathy. Last evaluated: 2025-09-09. Review status: criteria provided, single submitter. Criteria: Natera Variant Classification Schema (03/2026). Collection method: clinical testing. Allele origin: germline.
Comment: The c.82-5_83delinsGGAG variant in ETHE1 is a deletion-insertion (delins) variant predicted to replace one or more nucleotides with a different sequence. This variant is expected to result in nonsense mediated decay, truncation, or a dysfunctional protein product. This variant is rare in the general population with a frequency below the threshold expected for the associated phenotype(s). Given the available evidence, this variant is classified as Likely Pathogenic.

NM_014297.5(ETHE1):c.82-5_83delinsGGAG

Gene: ETHE1 (ETHE1 persulfide dioxygenase; minus strand). Cytogenetic location: 19q13.31.
Variant type: Indel.
Coding change: c.82-5_83delinsGGAG on transcript NM_014297.5 (MANE Select); 5 bases into the intron before coding-DNA position 82 through coding-DNA position 83, CCCAGAT replaced by GGAG.
Molecular consequence: splice acceptor variant. On other transcripts: intron variant (1).
Genome position (GRCh38, 1-based): chr19:43,526,658-43,526,664, ATCTGGG replaced by CTCC on the plus strand (CCCAGAT replaced by GGAG on the coding strand, the reverse complement: ETHE1 is on the minus strand). VCF-style: chr19-43526658-ATCTGGG-CTCC. GRCh37 (hg19) VCF-style: chr19-44030810-ATCTGGG-CTCC.
Other names: c.81+433_81+439delinsGGAG (NM_001320869.2); c.-139-5_-138delinsGGAG (NM_001320868.2); c.82-5_83delinsGGAG (NM_001320867.2).
Identifiers: ClinVar variation 4815665 (VCV004815665.1).